The following is an entry in ClinVar:

NM_015137.6(EFR3A):c.856-9C>T

Gene: EFR3A (EFR3 homolog A; plus strand). Cytogenetic location: 8q24.22.
Variant type: single nucleotide variant.
Coding change: c.856-9C>T on transcript NM_015137.6 (MANE Select); 9 bases into the intron before coding-DNA position 856, C replaced by T.
Molecular consequence: intron variant.
Genome position (GRCh38, 1-based): chr8:131,968,286, C>T. VCF-style: chr8-131968286-C-T. GRCh37 (hg19) VCF-style: chr8-132980533-C-T.
Other names: c.748-9C>T (NM_001323555.2, NM_001323554.2, NM_001323553.2 and 2 more transcripts); c.856-9C>T (NM_001323558.2).
Identifiers: ClinVar variation 3057993 (VCV003057993.2), dbSNP rs200220552, ClinGen allele CA4878896.

ClinVar aggregate classification (germline): Likely benign (0 of 4 stars; one submission).

Conditions:
EFR3A-related disorder. Also called: EFR3A-related condition.

Allele frequency attached by ClinVar (database versions not stated): TOPMed 0.00002; gnomAD 0.00007; gnomAD exomes 0.00013; ExAC 0.00033; 1000 Genomes Project 30x 0.00094; 1000 Genomes Project 0.00120.
gnomAD v4.1: 206 of 1,612,154 alleles (0.013%); highest among the groups gnomAD compares: South Asian, 0.21%; 2 homozygotes.

Submission:

PreventionGenetics, part of Exact Sciences
Classification: Likely benign for EFR3A-related condition. Last evaluated: 2023-12-31. Review status: no assertion criteria provided. Collection method: clinical testing. Allele origin: germline.
Comment: This variant is classified as likely benign based on ACMG/AMP sequence variant interpretation guidelines (Richards et al. 2015 PMID: 25741868, with internal and published modifications).